The following is an entry in ClinVar:

ClinVar aggregate classification (germline): Likely benign. Review status: criteria provided, single submitter (1 of 4 stars). 2 submissions from 2 submitters: Likely benign (1). 1 of the submissions does not count toward it. Last evaluated 2026-05-01.

Conditions:
MDN1-related disorder. Also called: MDN1-related condition.

Allele frequency attached by ClinVar (database versions not stated): 1000 Genomes Project 30x 0.00219; TOPMed 0.00249; 1000 Genomes Project 0.00260; ESP Exome Variant Server 0.00277; gnomAD exomes 0.00410; gnomAD 0.00425; ExAC 0.00480.
gnomAD v4.1: 6,638 of 1,614,162 alleles (0.41%); highest among the groups gnomAD compares: South Asian, 0.53%; 36 homozygotes.

Submissions (2):

CeGaT Center for Human Genetics Tuebingen
Classification: Likely benign. Last evaluated: 2026-05-01. Review status: criteria provided, single submitter. Criteria: CeGaT Center For Human Genetics Tuebingen Variant Classification Criteria Version 2. Collection method: clinical testing. Allele origin: germline. Affected: yes. Observed: 3 variant alleles.
Comment: MDN1: BP4, BS2

PreventionGenetics, part of Exact Sciences
Classification: Likely benign for MDN1-related condition. Last evaluated: 2019-02-19. Review status: no assertion criteria provided. Collection method: clinical testing. Allele origin: germline. Not counted in ClinVar's aggregate classification.
Comment: This variant is classified as likely benign based on ACMG/AMP sequence variant interpretation guidelines (Richards et al. 2015 PMID: 25741868, with internal and published modifications).

NM_014611.3(MDN1):c.13201G>A (p.Val4401Ile)

Genes: MDN1 (midasin AAA ATPase 1; minus strand), MDN1-AS1 (MDN1 antisense RNA 1; plus strand). Cytogenetic location: 6q15.
Variant type: single nucleotide variant.
Coding change: c.13201G>A on transcript NM_014611.3 (MANE Select); coding-DNA position 13201, G replaced by A.
Protein change: p.Val4401Ile; replaces valine 4401 with isoleucine.
Molecular consequence: missense variant.
Genome position (GRCh38, 1-based): chr6:89,674,150, C>T on the plus strand (G>A on the coding strand, the complement: MDN1 is on the minus strand). VCF-style: chr6-89674150-C-T. GRCh37 (hg19) VCF-style: chr6-90383869-C-T.
Other names: c.13201G>A (NM_014611.2); short protein forms V4401I.
Identifiers: ClinVar variation 2656763 (VCV002656763.25), dbSNP rs114130059, ClinGen allele CA3922864.
Genomic context (GRCh38, chr6:89,674,150, plus strand): 5'-ATAGACACACTTACCAAGAATGAAAGAGAGTCTCACAAGACTGCTGTCTAATTTTGTCGA[C>T]GTCAGCTTTCACTGTTTTAATGGTTTTTAGCATCTCTGTTAATCTCGTAGTTGACTGTTG-3'
Protein context (NP_055426.1, residues 4391-4411): LKTIKTVKAD[Val4401Ile]DKIRQQSCET